The following is an entry in ClinVar:

NM_032119.4(ADGRV1):c.3292G>A (p.Asp1098Asn)

Gene: ADGRV1 (adhesion G protein-coupled receptor V1; plus strand). Cytogenetic location: 5q14.3.
Variant type: single nucleotide variant.
Coding change: c.3292G>A on transcript NM_032119.4 (MANE Select); coding-DNA position 3292, G replaced by A.
Protein change: p.Asp1098Asn; replaces aspartic acid 1098 with asparagine.
Molecular consequence: missense variant. On other transcripts: non-coding transcript variant (1).
Genome position (GRCh38, 1-based): chr5:90,651,606, G>A. VCF-style: chr5-90651606-G-A. GRCh37 (hg19) VCF-style: chr5-89947423-G-A.
Other names: short protein forms D1098N.
Identifiers: ClinVar variation 852816 (VCV000852816.8), dbSNP rs199690158, ClinGen allele CA3339155.

ClinVar aggregate classification (germline): Uncertain significance. Review status: criteria provided, multiple submitters, no conflicts (2 of 4 stars). 4 submissions from 4 submitters: Uncertain significance (4). Last evaluated 2026-03-05.

Allele frequency attached by ClinVar (database versions not stated): gnomAD 0.00001 and 0.00002; gnomAD exomes 0.00001 and 0.00002; TOPMed 0.00001; ExAC 0.00002; 1000 Genomes Project 30x 0.00031; 1000 Genomes Project 0.00040.
gnomAD v4.1: 27 of 1,535,338 alleles (0.0018%); highest among the groups gnomAD compares: Middle Eastern, 0.035%; no homozygotes.

Submissions (4):

GeneDx
Classification: Uncertain significance. Last evaluated: 2026-03-05. Review status: criteria provided, single submitter. Criteria: GeneDx Variant Classification Process June 2021. Collection method: clinical testing. Allele origin: germline.
Comment: Not observed at significant frequency in large population cohorts (gnomAD); In silico analysis supports that this missense variant has a deleterious effect on protein structure/function; Has not been previously published as pathogenic or benign to our knowledge

Labcorp Genetics (formerly Invitae), Labcorp
Classification: Uncertain significance. Last evaluated: 2022-10-25. Review status: criteria provided, single submitter. Criteria: Invitae Variant Classification Sherloc (09022015). Collection method: clinical testing. Allele origin: germline.
Comment: This sequence change replaces aspartic acid, which is acidic and polar, with asparagine, which is neutral and polar, at codon 1098 of the ADGRV1 protein (p.Asp1098Asn). This variant is present in population databases (rs199690158, gnomAD 0.01%). This variant has not been reported in the literature in individuals affected with ADGRV1-related conditions. ClinVar contains an entry for this variant (Variation ID: 852816). Algorithms developed to predict the effect of missense changes on protein structure and function are either unavailable or do not agree on the potential impact of this missense change (SIFT: "Deleterious"; PolyPhen-2: "Possibly Damaging"; Align-GVGD: "Class C0"). In summary, the available evidence is currently insufficient to determine the role of this variant in disease. Therefore, it has been classified as a Variant of Uncertain Significance.

Blueprint Genetics
Classification: Uncertain significance. Last evaluated: 2022-01-11. Review status: criteria provided, single submitter. Criteria: ACMG Guidelines, 2015. Collection method: clinical testing. Allele origin: germline.

Breakthrough Genomics
Classification: Uncertain significance. Review status: criteria provided, single submitter. Criteria: ACMG Guidelines, 2015. Collection method: not provided. Allele origin: germline. Inheritance: Autosomal recessive inheritance. Affected: yes.